The following is an entry in ClinVar:

ClinVar aggregate classification (germline): Uncertain significance. Review status: criteria provided, multiple submitters, no conflicts (2 of 4 stars). 3 submissions from 3 submitters: Uncertain significance (2). 1 of the submissions does not count toward it. Last evaluated 2024-06-22.

Conditions:
Inborn genetic diseases. Identifiers: MedGen C0950123, MeSH D030342.
AUTS2-related disorder. Also called: AUTS2-related condition.

Allele frequency attached by ClinVar (database versions not stated): ExAC 0.00001; TOPMed 0.00002; gnomAD 0.00003; ESP Exome Variant Server 0.00008.
gnomAD v4.1: 16 of 1,613,960 alleles (0.00099%); highest among the groups gnomAD compares: African/African-American, 0.0067%; no homozygotes.

Submissions (3):

Labcorp Genetics (formerly Invitae), Labcorp
Classification: Uncertain significance. Last evaluated: 2024-06-22. Review status: criteria provided, single submitter. Criteria: Invitae Variant Classification Sherloc (09022015). Collection method: clinical testing. Allele origin: germline.
Comment: This sequence change falls in intron 12 of the AUTS2 gene. It does not directly change the encoded amino acid sequence of the AUTS2 protein. It affects a nucleotide within the consensus splice site. This variant is present in population databases (rs377220148, gnomAD 0.008%). This variant has not been reported in the literature in individuals affected with AUTS2-related conditions. ClinVar contains an entry for this variant (Variation ID: 2283414). Variants that disrupt the consensus splice site are a relatively common cause of aberrant splicing (PMID: 17576681, 9536098). Algorithms developed to predict the effect of sequence changes on RNA splicing suggest that this variant is not likely to affect RNA splicing. In summary, the available evidence is currently insufficient to determine the role of this variant in disease. Therefore, it has been classified as a Variant of Uncertain Significance.

Ambry Genetics
Classification: Uncertain significance for Inborn genetic diseases. Last evaluated: 2022-04-19. Review status: criteria provided, single submitter. Criteria: Ambry Variant Classification Scheme 2023. Collection method: clinical testing. Allele origin: germline.
Comment: The c.1902+4C>T intronic alteration consists of a C to T substitution 4 nucleotides after exon 12 of the AUTS2 gene. Based on insufficient or conflicting evidence, the clinical significance of this alteration remains unclear.

PreventionGenetics, part of Exact Sciences
Classification: Likely benign for AUTS2-related condition. Last evaluated: 2019-12-09. Review status: no assertion criteria provided. Collection method: clinical testing. Allele origin: germline. Not counted in ClinVar's aggregate classification.
Comment: This variant is classified as likely benign based on ACMG/AMP sequence variant interpretation guidelines (Richards et al. 2015 PMID: 25741868, with internal and published modifications).

Literature cited by the submitters: PubMed 17576681 (cited by Labcorp Genetics (formerly Invitae), Labcorp); PubMed 9536098 (cited by Labcorp Genetics (formerly Invitae), Labcorp).

NM_015570.4(AUTS2):c.1902+4C>T

Gene: AUTS2 (activator of transcription and developmental regulator AUTS2; plus strand). Cytogenetic location: 7q11.22.
Variant type: single nucleotide variant.
Coding change: c.1902+4C>T on transcript NM_015570.4 (MANE Select); 4 bases into the intron after coding-DNA position 1902, C replaced by T.
Molecular consequence: intron variant.
Genome position (GRCh38, 1-based): chr7:70,774,103, C>T. VCF-style: chr7-70774103-C-T. GRCh37 (hg19) VCF-style: chr7-70239089-C-T.
Other names: c.1902+4C>T (NM_015570.3); c.1831-1254C>T (NM_001127231.3).
Identifiers: ClinVar variation 2283414 (VCV002283414.7), dbSNP rs377220148, ClinGen allele CA4280823.